The following is an entry in ClinVar:

ClinVar aggregate classification (germline): Uncertain significance. Review status: criteria provided, multiple submitters, no conflicts (2 of 4 stars). 2 submissions from 2 submitters: Uncertain significance (2). Last evaluated 2025-11-27.

Conditions:
Mevalonic aciduria (MEVA). Identifiers: Orphanet 29, MedGen C1959626, MONDO:0012481, OMIM 610377.
Hyperimmunoglobulin D with periodic fever (HIDS). Also called: Hyperimmunoglobulinemia D with periodic fever; Hyperimmunoglobulinemia D; HYPERIMMUNOGLOBULINEMIA D AND PERIODIC FEVER SYNDROME. Identifiers: Orphanet 343, MedGen C0398691, MONDO:0009849, OMIM 260920.
Porokeratosis 3, disseminated superficial actinic type (POROK3). Also called: POROKERATOSIS 3, MULTIPLE TYPES; POROKERATOSIS 3, MIBELLI TYPE; POROKERATOSIS, DISSEMINATED SUPERFICIAL ACTINIC, 1. Identifiers: MedGen C1867981, MONDO:0008293, OMIM 175900.

gnomAD v4.1: 7 of 1,614,162 alleles (0.00043%); highest among the groups gnomAD compares: Admixed American, 0.0033%; no homozygotes.

Submissions (2):

Labcorp Genetics (formerly Invitae), Labcorp
Classification: Uncertain significance for Mevalonic aciduria; Hyperimmunoglobulin D with periodic fever; Porokeratosis 3, disseminated superficial actinic type. Last evaluated: 2025-11-27. Review status: criteria provided, single submitter. Criteria: Invitae Variant Classification Sherloc (09022015). Collection method: clinical testing. Allele origin: germline.
Comment: This sequence change replaces leucine, which is neutral and non-polar, with phenylalanine, which is neutral and non-polar, at codon 97 of the MVK protein (p.Leu97Phe). This variant is present in population databases (rs763230475, gnomAD 0.003%). This variant has not been reported in the literature in individuals affected with MVK-related conditions. ClinVar contains an entry for this variant (Variation ID: 3574228). An algorithm developed to predict the effect of missense changes on protein structure and function outputs the following: PolyPhen-2: "Benign". The phenylalanine amino acid residue is found in multiple mammalian species, which suggests that this missense change does not adversely affect protein function. In summary, the available evidence is currently insufficient to determine the role of this variant in disease. Therefore, it has been classified as a Variant of Uncertain Significance.

Fulgent Genetics
Classification: Uncertain significance for Porokeratosis 3, disseminated superficial actinic type; Hyperimmunoglobulin D with periodic fever; Mevalonic aciduria. Last evaluated: 2024-04-18. Review status: criteria provided, single submitter. Criteria: ACMG Guidelines, 2015. Collection method: clinical testing. Allele origin: germline.

NM_000431.4(MVK):c.291G>T (p.Leu97Phe)

Gene: MVK (mevalonate kinase; plus strand). Cytogenetic location: 12q24.11.
Variant type: single nucleotide variant.
Coding change: c.291G>T on transcript NM_000431.4 (MANE Select); coding-DNA position 291, G replaced by T.
Protein change: p.Leu97Phe; replaces leucine 97 with phenylalanine.
Molecular consequence: missense variant. On other transcripts: 5 prime UTR variant (1), non-coding transcript variant (2).
Genome position (GRCh38, 1-based): chr12:109,579,866, G>T. VCF-style: chr12-109579866-G-T. GRCh37 (hg19) VCF-style: chr12-110017671-G-T.
Other names: c.291G>T, p.Leu97Phe (NM_001114185.3, NM_001301182.2, NM_001414511.1 and 3 more transcripts); c.-292G>T (NM_001414515.1); short protein forms L97F.
Identifiers: ClinVar variation 3574228 (VCV003574228.2).